The following is an entry in ClinVar:

NM_000193.4(SHH):c.966C>A (p.Asp322Glu)

Gene: SHH (sonic hedgehog signaling molecule; minus strand). Cytogenetic location: 7q36.3.
Variant type: single nucleotide variant.
Coding change: c.966C>A on transcript NM_000193.4 (MANE Select); coding-DNA position 966, C replaced by A.
Protein change: p.Asp322Glu; replaces aspartic acid 322 with glutamic acid.
Molecular consequence: missense variant. On other transcripts: intron variant (1).
Genome position (GRCh38, 1-based): chr7:155,803,323, G>T on the plus strand (C>A on the coding strand, the complement: SHH is on the minus strand). VCF-style: chr7-155803323-G-T. GRCh37 (hg19) VCF-style: chr7-155596017-G-T.
Other names: c.301+2973C>A (NM_001310462.2); c.966C>A (NM_000193.2); short protein forms D322E.
Identifiers: ClinVar variation 2628805 (VCV002628805.2), dbSNP rs1422908199, ClinGen allele CA370145528.

ClinVar aggregate classification (germline): Uncertain significance. Review status: criteria provided, multiple submitters, no conflicts (2 of 4 stars). 2 submissions from 2 submitters: Uncertain significance (2). Last evaluated 2025-08-21.

Conditions:
Inborn genetic diseases. Identifiers: MedGen C0950123, MeSH D030342.
SHH-related disorder. Also called: SHH-related condition; SHH-related disorders.

Allele frequency attached by ClinVar (database versions not stated): gnomAD 0.00001; TOPMed 0.00001.
gnomAD v4.1: 10 of 1,475,104 alleles (0.00068%); highest among the groups gnomAD compares: Non-Finnish European, 0.00089%; no homozygotes.

Submissions (2):

Ambry Genetics
Classification: Uncertain significance for Inborn genetic diseases. Last evaluated: 2025-08-21. Review status: criteria provided, single submitter. Criteria: Ambry Variant Classification Scheme 2023. Collection method: clinical testing. Allele origin: germline.

PreventionGenetics, part of Exact Sciences
Classification: Uncertain significance for SHH-related condition. Last evaluated: 2023-03-02. Review status: criteria provided, single submitter. Criteria: ACMG Guidelines, 2015. Collection method: clinical testing. Allele origin: germline.
Comment: The SHH c.966C>A variant is predicted to result in the amino acid substitution p.Asp322Glu. To our knowledge, this variant has not been reported in the literature or in a large population database, indicating this variant is rare. At this time, the clinical significance of this variant is uncertain due to the absence of conclusive functional and genetic evidence.